The following is an entry in ClinVar:

ClinVar aggregate classification (germline): Benign/Likely benign. Review status: criteria provided, multiple submitters, no conflicts (2 of 4 stars). 4 submissions from 4 submitters: Benign (2); Likely benign (1). 1 of the submissions does not count toward it. Last evaluated 2026-01-27.

Conditions:
TONSL-related disorder. Also called: TONSL-related condition.

Allele frequency attached by ClinVar (database versions not stated): gnomAD exomes 0.00019 and 0.00052; ExAC 0.00069; ESP Exome Variant Server 0.00177; 1000 Genomes Project 0.00200; 1000 Genomes Project 30x 0.00203; gnomAD 0.00207 and 0.00221; TOPMed 0.00241.
gnomAD v4.1: 612 of 1,611,930 alleles (0.038%); highest among the groups gnomAD compares: African/African-American, 0.71%; 2 homozygotes.

Submissions (4):

Labcorp Genetics (formerly Invitae), Labcorp
Classification: Benign. Last evaluated: 2026-01-27. Review status: criteria provided, single submitter. Criteria: Invitae Variant Classification Sherloc (09022015). Collection method: clinical testing. Allele origin: germline.

Blueprint Genetics
Classification: Likely benign. Last evaluated: 2024-11-13. Review status: criteria provided, single submitter. Criteria: ACMG Guidelines, 2015. Collection method: clinical testing. Allele origin: germline.

Breakthrough Genomics
Classification: Benign. Review status: criteria provided, single submitter. Criteria: ACMG Guidelines, 2015. Collection method: not provided. Allele origin: germline. Inheritance: Autosomal recessive inheritance. Affected: yes.

PreventionGenetics, part of Exact Sciences
Classification: Benign for TONSL-related condition. Last evaluated: 2020-01-29. Review status: no assertion criteria provided. Collection method: clinical testing. Allele origin: germline. Not counted in ClinVar's aggregate classification.
Comment: This variant is classified as benign based on ACMG/AMP sequence variant interpretation guidelines (Richards et al. 2015 PMID: 25741868, with internal and published modifications).

NM_013432.5(TONSL):c.3453C>T (p.Ser1151=)

Gene: TONSL (tonsoku like, DNA repair protein; minus strand). Cytogenetic location: 8q24.3.
Variant type: single nucleotide variant.
Coding change: c.3453C>T on transcript NM_013432.5 (MANE Select); coding-DNA position 3453, C replaced by T.
Protein change: p.Ser1151=; no amino-acid change (serine 1151 retained).
Molecular consequence: synonymous variant.
Genome position (GRCh38, 1-based): chr8:144,433,694, G>A on the plus strand (C>T on the coding strand, the complement: TONSL is on the minus strand). VCF-style: chr8-144433694-G-A. GRCh37 (hg19) VCF-style: chr8-145659077-G-A.
Other names: c.3453C>T (NM_013432.4).
Identifiers: ClinVar variation 1598893 (VCV001598893.12), dbSNP rs148612989, ClinGen allele CA4942506.
Genomic context (GRCh38, chr8:144,433,694, plus strand): 5'-GGGGCCGAAGCCACACGCCTGCAGGCGCAGGGTGCTGAGTAAGGGGCAGGCGTGCAGGAG[G>A]GAGGCCAGGGACTGGCCACAGCCGTCCCCCAGGGGGTTCATGCTTAAGTCCAGCTCCTCC-3'
Protein context (NP_038460.4, residues 1141-1161): LGDGCGQSLA[Ser1151=]LLHACPLLST